The following is an entry in ClinVar:

ClinVar aggregate classification (germline): Uncertain significance (1 of 4 stars; one submission).

Conditions:
GLUT1 deficiency syndrome 1, autosomal recessive. Identifiers: MedGen C3149117.

Submission:

Labcorp Genetics (formerly Invitae), Labcorp
Classification: Uncertain significance for GLUT1 deficiency syndrome 1, autosomal recessive. Last evaluated: 2023-09-05. Review status: criteria provided, single submitter. Criteria: Invitae Variant Classification Sherloc (09022015). Collection method: clinical testing. Allele origin: germline.
Comment: In summary, the available evidence is currently insufficient to determine the role of this variant in disease. Therefore, it has been classified as a Variant of Uncertain Significance. Algorithms developed to predict the effect of sequence changes on RNA splicing suggest that this variant may create or strengthen a splice site. This variant has not been reported in the literature in individuals affected with SLC2A1-related conditions. This variant is not present in population databases (gnomAD no frequency). This sequence change falls in intron 6 of the SLC2A1 gene. It does not directly change the encoded amino acid sequence of the SLC2A1 protein.

NM_006516.4(SLC2A1):c.868-5G>A

Gene: SLC2A1 (solute carrier family 2 member 1; minus strand). Cytogenetic location: 1p34.2.
Variant type: single nucleotide variant.
Coding change: c.868-5G>A on transcript NM_006516.4 (MANE Select); 5 bases into the intron before coding-DNA position 868, G replaced by A.
Molecular consequence: intron variant.
Genome position (GRCh38, 1-based): chr1:42,929,319, C>T on the plus strand (G>A on the coding strand, the complement: SLC2A1 is on the minus strand). VCF-style: chr1-42929319-C-T. GRCh37 (hg19) VCF-style: chr1-43394990-C-T.
Identifiers: ClinVar variation 2758120 (VCV002758120.3), dbSNP rs2524990294, ClinGen allele CA2697552357.